The following is an entry in ClinVar:

NM_020738.4(KIDINS220):c.1182G>A (p.Gly394=)

Gene: KIDINS220 (kinase D interacting substrate 220; minus strand). Cytogenetic location: 2p25.1.
Variant type: single nucleotide variant.
Coding change: c.1182G>A on transcript NM_020738.4 (MANE Select); coding-DNA position 1182, G replaced by A.
Protein change: p.Gly394=; no amino-acid change (glycine 394 retained).
Molecular consequence: synonymous variant. On other transcripts: non-coding transcript variant (2).
Genome position (GRCh38, 1-based): chr2:8,793,904, C>T on the plus strand (G>A on the coding strand, the complement: KIDINS220 is on the minus strand). VCF-style: chr2-8793904-C-T. GRCh37 (hg19) VCF-style: chr2-8934034-C-T.
Other names: c.1185G>A, p.Gly395= (NM_001348729.2, NM_001348731.2, NM_001348734.2 and 3 more transcripts); c.1182G>A, p.Gly394= (NM_001348732.2, NM_001348735.2, NM_001348738.2 and 3 more transcripts); c.1056G>A, p.Gly352= (NM_001348736.2).
Identifiers: ClinVar variation 2672796 (VCV002672796.25), dbSNP rs776644093, ClinGen allele CA1520234.
Genomic context (GRCh38, chr2:8,793,904, plus strand): 5'-ATGGCTACAGTCAATATTATAAGGAGTCTCGCCTGCTTTGTTGGGCCTATAAAGTAATCG[C>T]CCATCTTTGGGATTTCTTAAAAGCAGTTCTGCCAGTTTCCGGCTCCTTCCACGAATAGCA-3'
Protein context (NP_065789.1, residues 384-404): AELLLRNPKD[Gly394=]RLLYRPNKAG

ClinVar aggregate classification (germline): Likely benign. Review status: criteria provided, multiple submitters, no conflicts (2 of 4 stars). 2 submissions from 2 submitters: Likely benign (2). Last evaluated 2024-03-14.

Allele frequency attached by ClinVar (database versions not stated): gnomAD exomes below 0.00001; ExAC 0.00001.
gnomAD v4.1: 1 of 1,613,940 alleles (0.000062%); highest among the groups gnomAD compares: Admixed American, 0.0017%; no homozygotes.

Submissions (2):

Labcorp Genetics (formerly Invitae), Labcorp
Classification: Likely benign. Last evaluated: 2024-03-14. Review status: criteria provided, single submitter. Criteria: Invitae Variant Classification Sherloc (09022015). Collection method: clinical testing. Allele origin: germline.

CeGaT Center for Human Genetics Tuebingen
Classification: Likely benign. Last evaluated: 2023-11-01. Review status: criteria provided, single submitter. Criteria: CeGaT Center For Human Genetics Tuebingen Variant Classification Criteria Version 2. Collection method: clinical testing. Allele origin: germline. Affected: yes. Observed: 1 variant allele.
Comment: KIDINS220: BP4, BP7